The following is an entry in ClinVar:

ClinVar aggregate classification (germline): Uncertain significance. Review status: criteria provided, multiple submitters, no conflicts (2 of 4 stars). 2 submissions from 2 submitters: Uncertain significance (2). Last evaluated 2025-03-19.

Allele frequency attached by ClinVar (database versions not stated): gnomAD exomes below 0.00001; TOPMed below 0.00001; gnomAD 0.00001.
gnomAD v4.1: 2 of 1,567,692 alleles (0.00013%); highest among the groups gnomAD compares: Non-Finnish European, 0.00017%; no homozygotes.

Submissions (2):

Labcorp Genetics (formerly Invitae), Labcorp
Classification: Uncertain significance. Last evaluated: 2025-03-19. Review status: criteria provided, single submitter. Criteria: Invitae Variant Classification Sherloc (09022015). Collection method: clinical testing. Allele origin: germline.
Comment: This sequence change replaces threonine, which is neutral and polar, with alanine, which is neutral and non-polar, at codon 175 of the TOP2B protein (p.Thr175Ala). This variant is not present in population databases (gnomAD no frequency). This variant has not been reported in the literature in individuals affected with TOP2B-related conditions. ClinVar contains an entry for this variant (Variation ID: 1944330). An algorithm developed to predict the effect of missense changes on protein structure and function (PolyPhen-2) suggests that this variant is likely to be tolerated. In summary, the available evidence is currently insufficient to determine the role of this variant in disease. Therefore, it has been classified as a Variant of Uncertain Significance.

Ambry Genetics
Classification: Uncertain significance. Last evaluated: 2024-05-14. Review status: criteria provided, single submitter. Criteria: Ambry Variant Classification Scheme 2023. Collection method: clinical testing. Allele origin: germline.

NM_001330700.2(TOP2B):c.538A>G (p.Thr180Ala)

Gene: TOP2B (DNA topoisomerase II beta; minus strand). Cytogenetic location: 3p24.2.
Variant type: single nucleotide variant.
Coding change: c.538A>G on transcript NM_001330700.2 (MANE Select); coding-DNA position 538, A replaced by G.
Protein change: p.Thr180Ala; replaces threonine 180 with alanine.
Molecular consequence: missense variant.
Genome position (GRCh38, 1-based): chr3:25,638,168, T>C on the plus strand (A>G on the coding strand, the complement: TOP2B is on the minus strand). VCF-style: chr3-25638168-T-C. GRCh37 (hg19) VCF-style: chr3-25679659-T-C.
Other names: c.523A>G, p.Thr175Ala (NM_001068.3); c.523A>G (NM_001068.2); short protein forms T175A, T180A.
Identifiers: ClinVar variation 1944330 (VCV001944330.6), dbSNP rs1432164040, ClinGen allele CA351913146.